The following is an entry in ClinVar:

NM_001195263.2(PDZD7):c.2319_2331delinsC (p.773RS[4])

Gene: PDZD7 (PDZ domain containing 7; minus strand). Cytogenetic location: 10q24.31.
Variant type: Indel.
Coding change: c.2319_2331delinsC on transcript NM_001195263.2 (MANE Select); coding-DNA positions 2319 to 2331, TAGCCGCAGCCGT replaced by C.
Protein change: p.773RS[4].
Molecular consequence: inframe deletion.
Genome position (GRCh38, 1-based): chr10:101,010,558-101,010,570, ACGGCTGCGGCTA replaced by G on the plus strand (TAGCCGCAGCCGT replaced by C on the coding strand, the reverse complement: PDZD7 is on the minus strand). VCF-style: chr10-101010558-ACGGCTGCGGCTA-G. GRCh37 (hg19) VCF-style: chr10-102770315-ACGGCTGCGGCTA-G.
Identifiers: ClinVar variation 3358828 (VCV003358828.1).

ClinVar aggregate classification (germline): Likely benign (0 of 4 stars; one submission).

Conditions:
PDZD7-related disorder. Also called: PDZD7-related condition; PDZD7-related disorders.

Submission:

PreventionGenetics, part of Exact Sciences
Classification: Likely benign for PDZD7-related condition. Last evaluated: 2024-04-25. Review status: no assertion criteria provided. Collection method: clinical testing. Allele origin: germline.
Comment: This variant is classified as likely benign based on ACMG/AMP sequence variant interpretation guidelines (Richards et al. 2015 PMID: 25741868, with internal and published modifications).